The following is an entry in ClinVar:

NM_001458.5(FLNC):c.2434C>T (p.Pro812Ser)

Gene: FLNC (filamin C; plus strand). Cytogenetic location: 7q32.1.
Variant type: single nucleotide variant.
Coding change: c.2434C>T on transcript NM_001458.5 (MANE Select); coding-DNA position 2434, C replaced by T.
Protein change: p.Pro812Ser; replaces proline 812 with serine.
Molecular consequence: missense variant.
Genome position (GRCh38, 1-based): chr7:128,842,838, C>T. VCF-style: chr7-128842838-C-T. GRCh37 (hg19) VCF-style: chr7-128482892-C-T.
Other names: c.2434C>T, p.Pro812Ser (NM_001127487.2); short protein forms P812S.
Identifiers: ClinVar variation 1010531 (VCV001010531.9), dbSNP rs1808396338, ClinGen allele CA369191610.

ClinVar aggregate classification (germline): Uncertain significance (1 of 4 stars; one submission).

Conditions:
Myofibrillar myopathy 5. Also called: FILAMINOPATHY, AUTOSOMAL DOMINANT; Filaminopathy (type). Identifiers: Orphanet 171445, MedGen C1836050, MONDO:0012289, OMIM 609524.
Hypertrophic cardiomyopathy 26. Also called: Cardiomyopathy, familial hypertrophic, 26. Identifiers: Orphanet 75249, MedGen C4310749, MONDO:0014883, OMIM 617047.
Distal myopathy with posterior leg and anterior hand involvement. Also called: WILLIAMS DISTAL MYOPATHY. Identifiers: Orphanet 63273, MedGen C3279722, MONDO:0013550, OMIM 614065.

Submission:

Labcorp Genetics (formerly Invitae), Labcorp
Classification: Uncertain significance for Distal myopathy with posterior leg and anterior hand involvement; Myofibrillar myopathy 5; Hypertrophic cardiomyopathy 26. Last evaluated: 2020-08-20. Review status: criteria provided, single submitter. Criteria: Invitae Variant Classification Sherloc (09022015). Collection method: clinical testing. Allele origin: germline.
Comment: Algorithms developed to predict the effect of missense changes on protein structure and function are either unavailable or do not agree on the potential impact of this missense change (SIFT: "Deleterious"; PolyPhen-2: "Probably Damaging"; Align-GVGD: "Class C0"). In summary, the available evidence is currently insufficient to determine the role of this variant in disease. Therefore, it has been classified as a Variant of Uncertain Significance. This variant has not been reported in the literature in individuals with FLNC-related conditions. This variant is not present in population databases (ExAC no frequency). This sequence change replaces proline with serine at codon 812 of the FLNC protein (p.Pro812Ser). The proline residue is moderately conserved and there is a moderate physicochemical difference between proline and serine.